The following is an entry in ClinVar:

ClinVar aggregate classification (germline): Likely benign. Review status: criteria provided, multiple submitters, no conflicts (2 of 4 stars). 5 submissions from 5 submitters: Likely benign (5). Last evaluated 2026-03-01.

Conditions:
NIK deficiency. Also called: Primary immunodeficiency with multifaceted aberrant lymphoid immunity. Identifiers: Orphanet 447731, MedGen C5680065, MONDO:0018642.

Allele frequency attached by ClinVar (database versions not stated): gnomAD 0.00011 and 0.00016; TOPMed 0.00012; gnomAD exomes 0.00014 and 0.00024; 1000 Genomes Project 30x 0.00031; 1000 Genomes Project 0.00040; ExAC 0.00043.
gnomAD v4.1: 223 of 1,599,076 alleles (0.014%); highest among the groups gnomAD compares: Middle Eastern, 0.17%; no homozygotes.

Submissions (5):

CeGaT Center for Human Genetics Tuebingen
Classification: Likely benign. Last evaluated: 2026-03-01. Review status: criteria provided, single submitter. Criteria: CeGaT Center For Human Genetics Tuebingen Variant Classification Criteria Version 2. Collection method: clinical testing. Allele origin: germline. Affected: yes. Observed: 1 variant allele.
Comment: MAP3K14: BP4, BP7

Labcorp Genetics (formerly Invitae), Labcorp
Classification: Likely benign for NIK deficiency. Last evaluated: 2025-12-23. Review status: criteria provided, single submitter. Criteria: Invitae Variant Classification Sherloc (09022015). Collection method: clinical testing. Allele origin: germline.

Blueprint Genetics
Classification: Likely benign. Last evaluated: 2024-09-19. Review status: criteria provided, single submitter. Criteria: ACMG Guidelines, 2015. Collection method: clinical testing. Allele origin: germline.

ARUP Laboratories, Molecular Genetics and Genomics, ARUP Laboratories
Classification: Likely benign. Last evaluated: 2019-02-15. Review status: criteria provided, single submitter. Criteria: ARUP Molecular Germline Variant Investigation Process. Collection method: clinical testing. Allele origin: germline.

Breakthrough Genomics
Classification: Likely benign. Review status: criteria provided, single submitter. Criteria: ACMG Guidelines, 2015. Collection method: not provided. Allele origin: germline. Inheritance: Unknown mechanism. Affected: yes.

NM_003954.5(MAP3K14):c.1455C>T (p.Gly485=)

Gene: MAP3K14 (mitogen-activated protein kinase kinase kinase 14; minus strand). Cytogenetic location: 17q21.31.
Variant type: single nucleotide variant.
Coding change: c.1455C>T on transcript NM_003954.5 (MANE Select); coding-DNA position 1455, C replaced by T.
Protein change: p.Gly485=; no amino-acid change (glycine 485 retained).
Molecular consequence: synonymous variant.
Genome position (GRCh38, 1-based): chr17:45,274,220, G>A on the plus strand (C>T on the coding strand, the complement: MAP3K14 is on the minus strand). VCF-style: chr17-45274220-G-A. GRCh37 (hg19) VCF-style: chr17-43351587-G-A.
Identifiers: ClinVar variation 709442 (VCV000709442.24), dbSNP rs549438131, ClinGen allele CA8614135.